The following is an entry in ClinVar:

ClinVar aggregate classification (germline): Conflicting classifications of pathogenicity. Review status: criteria provided, conflicting classifications (1 of 4 stars). 3 submissions from 3 submitters: Uncertain significance (2); Likely benign (1). Last evaluated 2026-09-04.

Conditions:
Hereditary cancer-predisposing syndrome. Also called: Neoplastic Syndromes, Hereditary; Hereditary Cancer Syndrome; Tumor predisposition; Hereditary neoplastic syndrome. Identifiers: Orphanet 140162, MedGen C0027672, MeSH D009386, MONDO:0015356.
Renal cell carcinoma. Identifiers: Orphanet 217071, MedGen C0007134, MeSH D002292, MONDO:0005086, HP:0005584.

Submissions (3):

Ambry Genetics
Classification: Likely benign for Hereditary cancer-predisposing syndrome. Last evaluated: 2026-09-04. Review status: criteria provided, single submitter. Criteria: Ambry Variant Classification Scheme 2023. Collection method: clinical testing. Allele origin: germline.

Labcorp Genetics (formerly Invitae), Labcorp
Classification: Uncertain significance for Renal cell carcinoma. Last evaluated: 2024-11-22. Review status: criteria provided, single submitter. Criteria: Invitae Variant Classification Sherloc (09022015). Collection method: clinical testing. Allele origin: germline.
Comment: This sequence change replaces glutamine, which is neutral and polar, with histidine, which is basic and polar, at codon 165 of the MET protein (p.Gln165His). This variant is not present in population databases (gnomAD no frequency). This variant has not been reported in the literature in individuals affected with MET-related conditions. ClinVar contains an entry for this variant (Variation ID: 411895). Invitae Evidence Modeling of protein sequence and biophysical properties (such as structural, functional, and spatial information, amino acid conservation, physicochemical variation, residue mobility, and thermodynamic stability) indicates that this missense variant is not expected to disrupt MET protein function with a negative predictive value of 80%. In summary, the available evidence is currently insufficient to determine the role of this variant in disease. Therefore, it has been classified as a Variant of Uncertain Significance.

GeneDx
Classification: Uncertain significance. Last evaluated: 2023-01-04. Review status: criteria provided, single submitter. Criteria: GeneDx Variant Classification Process June 2021. Collection method: clinical testing. Allele origin: germline. Affected: yes.
Comment: Not observed at significant frequency in large population cohorts (gnomAD); In silico analysis supports that this missense variant does not alter protein structure/function; Has not been previously published as pathogenic or benign to our knowledge

NM_000245.4(MET):c.495G>C (p.Gln165His)

Gene: MET (MET proto-oncogene, receptor tyrosine kinase; plus strand). Cytogenetic location: 7q31.2.
Variant type: single nucleotide variant.
Coding change: c.495G>C on transcript NM_000245.4 (MANE Select); coding-DNA position 495, G replaced by C.
Protein change: p.Gln165His; replaces glutamine 165 with histidine.
Molecular consequence: missense variant. On other transcripts: intron variant (1).
Genome position (GRCh38, 1-based): chr7:116,699,579, G>C. VCF-style: chr7-116699579-G-C. GRCh37 (hg19) VCF-style: chr7-116339633-G-C.
Other names: c.495G>C, p.Gln165His (NM_001127500.3, NM_001324401.3); c.-91+27002G>C (NM_001324402.2); short protein forms Q165H.
Identifiers: ClinVar variation 411895 (VCV000411895.14), dbSNP rs1060503537, ClinGen allele CA16612244.